The following is an entry in ClinVar:

NM_001393769.1(MED12L):c.4927-7dup

Gene: MED12L (mediator complex subunit 12L; plus strand). Cytogenetic location: 3q25.1.
Variant type: Duplication.
Coding change: c.4927-7dup on transcript NM_001393769.1 (MANE Select); 7 bases into the intron before coding-DNA position 4927, one base duplicated (T; older notation c.4927-7dupT).
Molecular consequence: intron variant.
Genome position (GRCh38, 1-based): chr3:151,385,023, T duplicated; the last of 6 consecutive T bases (chr3:151,385,018-151,385,023); duplicating any one gives the same sequence. VCF-style (leftmost placement, unchanged base first): chr3-151385017-C-CT. GRCh37 (hg19) VCF-style: chr3-151102805-C-CT.
Other names: c.4822-7dup (NM_053002.6); c.4822-7dupT (NM_053002.6).
Identifiers: ClinVar variation 3068794 (VCV003068794.2), dbSNP rs755838465, ClinGen allele CA2668680.

ClinVar aggregate classification (germline): Likely benign (1 of 4 stars; one submission).

Submission:

Women's Health and Genetics/Laboratory Corporation of America, LabCorp
Classification: Likely benign. Last evaluated: 2024-02-29. Review status: criteria provided, single submitter. Criteria: LabCorp Variant Classification Summary - May 2015. Collection method: clinical testing. Allele origin: germline.
Comment: Variant summary: MED12L c.4822-7dupT alters a nucleotide located close to a canonical splice site and therefore could affect mRNA splicing, leading to a significantly altered protein sequence. Consensus agreement among computation tools predict no significant impact on normal splicing. However, these predictions have yet to be confirmed by functional studies. The variant allele was found at a frequency of 0.000018 in 1324542 control chromosomes (i.e. in 24 carriers), predominantly at a frequency of 0.001464 within the Middle Eastern subpopulation in the gnomAD database (v4.0 dataset). These data suggest that this variant is likely not associated with a highly penetrant, early onset dominant disease. To our knowledge, no occurrence of c.4822-7dupT in individuals affected with Nizon-Isidor Syndrome and no experimental evidence demonstrating its impact on protein function have been reported. No submitters have cited clinical-significance assessments for this variant to ClinVar. Based on the evidence outlined above, the variant was classified as likely benign.